The following is an entry in ClinVar:

ClinVar aggregate classification (germline): Pathogenic. Review status: reviewed by expert panel (3 of 4 stars). 14 submissions from 14 submitters: Pathogenic (1). 13 of the submissions do not count toward it. Last evaluated 2025-12-05.

Conditions:
ABCA4-related retinopathy. Also called: ABCA4-related retinoapthy; ABCA4 retinoapthy. Identifiers: MedGen CN322612, MONDO:0800406.
ABCA4-related disorder. Also called: ABCA4-related condition; ABCA4-related disorders. Identifiers: MedGen CN239167.
Retinal dystrophy. Also called: Inherited retinal dystrophy. Identifiers: Orphanet 71862, MedGen C0854723, MeSH D058499, MONDO:0019118, HP:0000556.
Retinitis pigmentosa 19 (RP19). Also called: ABCA4-Related Retinitis Pigmentosa. Identifiers: Orphanet 791, MedGen C1866422, MONDO:0011137, OMIM 601718.
Severe early-childhood-onset retinal dystrophy (STGD1). Also called: MACULAR DYSTROPHY WITH FLECKS, TYPE 1; STGD; Stargardt disease 1; Stargardt macular dystrophy; Juvenile onset macular degeneration. Identifiers: Orphanet 364055, Orphanet 827, MedGen C1855465, MeSH D000080362, MONDO:0009549, OMIM 248200.
Blindness. Also called: Blindness (disorder). Identifiers: MedGen C0456909, MONDO:0001941, HP:0000618.
Visual loss. Also called: Abnormal vision. Identifiers: MedGen C3665386, HP:0000572.
Macular degeneration. Also called: Degenerative disorder of macula. Identifiers: MedGen C0024437, MONDO:0003004, HP:0000608.

Allele frequency attached by ClinVar (database versions not stated): TOPMed 0.00002; gnomAD exomes 0.00001 and 0.00002; gnomAD 0.00001; ESP Exome Variant Server 0.00008; ExAC 0.00002.
gnomAD v4.1: 10 of 1,614,050 alleles (0.00062%); highest among the groups gnomAD compares: East Asian, 0.0089%; no homozygotes.

Submissions (14):

ClinGen ABCA4 Variant Curation Expert Panel, Clingen
Classification: Pathogenic for ABCA4-related retinopathy. Last evaluated: 2025-12-05. Review status: reviewed by expert panel. Criteria: ClinGen ABCA4 ACMG Specifications V1.0.0. Collection method: curation. Allele origin: germline. Inheritance: Autosomal recessive inheritance.
Comment: The NM_000350.3:c.6445C>T (p.Arg2149Ter) variant in ABCA4 is a nonsense variant predicted to cause a premature stop codon in biologically relevant exon 47 out of 50 leading to nonsense mediated decay in a gene in which loss-of-function is an established disease mechanism (PVS1). The total minor allele frequency in gnomAD v4.1.0 is 0.000006196 (10/1614050 alleles), which is lower than the ClinGen ABCA4 VCEP’s threshold for PM2_Supporting (<0.0001). The prevalence of the variant in affected individuals is significantly increased compared with the prevalence in controls with and OR of 86.3 and the CI is 30.40-338.60, which is above the ABCA4 VCEP threshold of >5, where the CI does not contain 1 (PS4; PMID: 35120629). This variant has been detected in at least 1 individual who was homozygous for the variant (PMID: 36284460; PM3_Supporting). In summary, this variant meets the criteria to be classified as pathogenic for ABCA4-related retinopathy based on the ACMG/AMP criteria applied, as specified by the ClinGen ABCA4 VCEP: PVS1, PS4, PM3_Supporting, PM2_Supporting.

Labcorp Genetics (formerly Invitae), Labcorp
Classification: Pathogenic. Last evaluated: 2025-08-12. Review status: criteria provided, single submitter. Criteria: Invitae Variant Classification Sherloc (09022015). Collection method: clinical testing. Allele origin: germline. Not counted in ClinVar's aggregate classification.
Comment: This sequence change creates a premature translational stop signal (p.Arg2149*) in the ABCA4 gene. It is expected to result in an absent or disrupted protein product. Loss-of-function variants in ABCA4 are known to be pathogenic (PMID: 10958761, 24938718, 25312043, 26780318). This variant is present in population databases (rs61750654, gnomAD 0.003%). This premature translational stop signal has been observed in individual(s) with Stargardt disease (PMID: 9973280). ClinVar contains an entry for this variant (Variation ID: 99460). Algorithms developed to predict the effect of sequence changes on RNA splicing suggest that this variant may disrupt the consensus splice site. For these reasons, this variant has been classified as Pathogenic.

SingHealth Duke-NUS Institute of Precision Medicine
Classification: Likely pathogenic for Severe early-childhood-onset retinal dystrophy. Last evaluated: 2025-02-05. Review status: criteria provided, single submitter. Criteria: PRISM ACMG Classification Criteria. Collection method: clinical testing. Allele origin: germline. Affected: yes. Not counted in ClinVar's aggregate classification.
Comment: Variant is null variant predicted to cause nonsense-mediated decay in a gene where LOF is a known cause of pathogenicity (PVS1). Homozygous allele count in gnomAD exomes and genomes are less than 0 (PM2)

Blueprint Genetics
Classification: Pathogenic for ABCA4-related disorders. Last evaluated: 2024-11-22. Review status: criteria provided, single submitter. Criteria: ACMG Guidelines, 2015. Collection method: clinical testing. Allele origin: germline. Affected: yes. Observed: 5 variant alleles. Not counted in ClinVar's aggregate classification.

Dept Of Ophthalmology, Nagoya University
Classification: Pathogenic for Retinal dystrophy. Last evaluated: 2023-10-01. Review status: criteria provided, single submitter. Criteria: Submitter's publication. Collection method: research. Allele origin: germline. Affected: yes. Not counted in ClinVar's aggregate classification.

Neuberg Centre For Genomic Medicine, NCGM
Classification: Pathogenic for Retinitis pigmentosa 19. Last evaluated: 2023-05-20. Review status: criteria provided, single submitter. Criteria: ACMG Guidelines, 2015. Collection method: clinical testing. Allele origin: germline. Inheritance: Autosomal recessive inheritance. Affected: yes. Not counted in ClinVar's aggregate classification.
Comment: The stop gained variant c.6445C>T (p.Arg2149Ter) in the ABCA4 gene has been reported in the compound heterozygous and homozygous state in individuals affected with cone and cone-rod dystrophies and Stargardt Disease (Oishi et al., 2016; Battu et al., 2015). This variant is reported with the allele frequency (0.001%) in the gnomAD Exomes. It has been submitted to ClinVar as Likely Pathogenic/ Pathogenic (Multiple submitters). This variant is predicted to cause a loss of normal protein function through protein truncation. Loss of function variants has been previously reported to be disease-causing. For these reasons, this variant has been classified as Pathogenic.

GeneDx
Classification: Pathogenic. Last evaluated: 2022-01-20. Review status: criteria provided, single submitter. Criteria: GeneDx Variant Classification Process June 2021. Collection method: clinical testing. Allele origin: germline. Affected: yes. Not counted in ClinVar's aggregate classification.
Comment: Nonsense variant predicted to result in protein truncation or nonsense mediated decay in a gene for which loss-of-function is a known mechanism of disease; This variant is associated with the following publications: (PMID: 9973280, 23424971, 25087612, 25525159, 28041643, 28327576, 29925512, 28559085, 33691693)

Institute of Human Genetics, Univ. Regensburg, Univ. Regensburg
Classification: Pathogenic for Retinal dystrophy. Last evaluated: 2021-01-01. Review status: criteria provided, single submitter. Criteria: ACMG Guidelines, 2015. Collection method: clinical testing. Allele origin: germline. Affected: yes. Not counted in ClinVar's aggregate classification.

Eurofins Ntd Llc (ga)
Classification: Pathogenic. Last evaluated: 2017-09-28. Review status: criteria provided, single submitter. Criteria: EGL Classification Definitions 2015. Collection method: clinical testing. Allele origin: germline. Observed: 1 variant allele, 1 heterozygote. Not counted in ClinVar's aggregate classification.

Centre for Mendelian Genomics, University Medical Centre Ljubljana
Classification: Pathogenic for Blindness; Macular degeneration; Visual loss. Last evaluated: 2014-11-17. Review status: criteria provided, single submitter. Criteria: ACMG Guidelines, 2015. Collection method: clinical testing. Allele origin: unknown. Affected: yes. Not counted in ClinVar's aggregate classification.

PreventionGenetics, part of Exact Sciences
Classification: Pathogenic for ABCA4-related condition. Last evaluated: 2024-06-11. Review status: no assertion criteria provided. Collection method: clinical testing. Allele origin: germline. Not counted in ClinVar's aggregate classification.
Comment: The ABCA4 c.6445C>T variant is predicted to result in premature protein termination (p.Arg2149*). This variant has been reported many times along with a second ABCA4 variant in individuals with Stargardt disease (see for examples: Lewis et al. 1999. PubMed ID: 9973280; Table S1, Stone. 2017. PubMed ID: 28559085; Table S1, Karali et al. 2022. PubMed ID: 36460718). This variant is reported in 0.0062% of alleles in individuals of African descent in gnomAD. Nonsense variants in ABCA4 are expected to be pathogenic. Given the evidence, we interpret this variant as pathogenic.

NIHR Bioresource Rare Diseases, University of Cambridge
Classification: Likely pathogenic for Retinal dystrophy. Last evaluated: 2015-01-01. Review status: no assertion criteria provided. Collection method: research. Allele origin: unknown. Affected: yes. Observed: 1 variant allele. Not counted in ClinVar's aggregate classification.

Department of Ophthalmology and Visual Sciences Kyoto University
Classification: Pathogenic for Stargardt disease 1. Review status: no assertion criteria provided. Collection method: not provided. Allele origin: unknown. Not counted in ClinVar's aggregate classification.
ClinVar note: Converted during submission from pathogenic to Pathogenic.

Retina International
No classification provided. Review status: no classification provided. Collection method: not provided. Allele origin: not provided. Not counted in ClinVar's aggregate classification.

Literature cited by the submitters: PubMed 10958761 (cited by Labcorp Genetics (formerly Invitae), Labcorp); PubMed 24938718 (cited by Labcorp Genetics (formerly Invitae), Labcorp); PubMed 25312043 (cited by Labcorp Genetics (formerly Invitae), Labcorp); PubMed 26780318 (cited by Labcorp Genetics (formerly Invitae), Labcorp); PubMed 9973280 (cited by 4 submitters); PubMed 23424971 (cited by Institute of Human Genetics, Univ. Regensburg, Univ. Regensburg); PubMed 25087612 (cited by Institute of Human Genetics, Univ. Regensburg, Univ. Regensburg); PubMed 25525159 (cited by Institute of Human Genetics, Univ. Regensburg, Univ. Regensburg); PubMed 28041643 (cited by 3 submitters); PubMed 28327576 (cited by Institute of Human Genetics, Univ. Regensburg, Univ. Regensburg); PubMed 28559085 (cited by Institute of Human Genetics, Univ. Regensburg, Univ. Regensburg); PubMed 29925512 (cited by Institute of Human Genetics, Univ. Regensburg, Univ. Regensburg); PubMed 31213501 (cited by Institute of Human Genetics, Univ. Regensburg, Univ. Regensburg); PubMed 31964843 (cited by Institute of Human Genetics, Univ. Regensburg, Univ. Regensburg); PubMed 32307445 (cited by Institute of Human Genetics, Univ. Regensburg, Univ. Regensburg); PubMed 32581362 (cited by Institute of Human Genetics, Univ. Regensburg, Univ. Regensburg); PubMed 34426522 (cited by Institute of Human Genetics, Univ. Regensburg, Univ. Regensburg); PubMed 33691693 (cited by Institute of Human Genetics, Univ. Regensburg, Univ. Regensburg); PubMed 35260635 (cited by Institute of Human Genetics, Univ. Regensburg, Univ. Regensburg); PubMed 36460718 (cited by Institute of Human Genetics, Univ. Regensburg, Univ. Regensburg); PubMed 36284460 (cited by Institute of Human Genetics, Univ. Regensburg, Univ. Regensburg).

NM_000350.3(ABCA4):c.6445C>T (p.Arg2149Ter)

Gene: ABCA4 (ATP binding cassette subfamily A member 4; minus strand). Cytogenetic location: 1p22.1.
Variant type: single nucleotide variant.
Coding change: c.6445C>T on transcript NM_000350.3 (MANE Select); coding-DNA position 6445, C replaced by T.
Protein change: p.Arg2149Ter; replaces arginine 2149 with a stop codon.
Molecular consequence: nonsense.
Genome position (GRCh38, 1-based): chr1:94,000,870, G>A on the plus strand (C>T on the coding strand, the complement: ABCA4 is on the minus strand). VCF-style: chr1-94000870-G-A. GRCh37 (hg19) VCF-style: chr1-94466426-G-A.
Other names: NM_000350.3(ABCA4):c.6445C>T; p.Arg2149Ter; c.6223C>T, p.Arg2075Ter (NM_001425324.1); short protein forms R2149*, R2075*.
Identifiers: ClinVar variation 99460 (VCV000099460.23), dbSNP rs61750654, ClinGen allele CA227404.
Genomic context (GRCh38, chr1:94,000,870, plus strand): 5'-AGGGGCACGCCCCACCATCTGCTTACTTGGACTTGAGATGCTGAATGGTGCCCATACATC[G>A]AAAGGCGCCCTTTACCATGATGGCCAGCCGGGTACACAGTGCCTCACATTCTTCCATGCT-3'